The following is an entry in ClinVar:

ClinVar aggregate classification (germline): Likely benign (1 of 4 stars; one submission).

Conditions:
Frank-Ter Haar syndrome. Also called: Borrone di Rocco Crovato syndrome; TER HAAR SYNDROME; MELNICK-NEEDLES SYNDROME, AUTOSOMAL RECESSIVE; BORRONE DERMATOCARDIOSKELETAL SYNDROME. Identifiers: Orphanet 1266, Orphanet 137834, MedGen C1855305, MONDO:0009579, OMIM 249420.

Allele frequency attached by ClinVar (database versions not stated): gnomAD exomes 0.00018; gnomAD 0.00197 and 0.00212; TOPMed 0.00221; 1000 Genomes Project 0.00240; 1000 Genomes Project 30x 0.00250.

Submission:

Illumina Laboratory Services, Illumina
Classification: Likely benign for Frank-Ter Haar syndrome. Last evaluated: 2018-01-13. Review status: criteria provided, single submitter. Criteria: ICSL Variant Classification Criteria 13 December 2019. Collection method: clinical testing. Allele origin: germline.
Comment: This variant was observed in the ICSL laboratory as part of a predisposition screen in an ostensibly healthy population. It had not been previously curated by ICSL or reported in the Human Gene Mutation Database (HGMD: prior to June 1st, 2018), and was therefore a candidate for classification through an automated scoring system. Utilizing variant allele frequency, disease prevalence and penetrance estimates, and inheritance mode, an automated score was calculated to assess if this variant is too frequent to cause the disease. Based on the score and internal cut-off values, a variant classified as likely benign is not then subjected to further curation. The score for this variant resulted in a classification of likely benign for this disease.

NM_001017995.3(SH3PXD2B):c.*3989G>A

Gene: SH3PXD2B (SH3 and PX domains 2B; minus strand). Cytogenetic location: 5q35.1.
Variant type: single nucleotide variant.
Coding change: c.*3989G>A on transcript NM_001017995.3 (MANE Select); 3989 bases downstream of the stop codon, G replaced by A.
Molecular consequence: 3 prime UTR variant. On other transcripts: intron variant (1).
Genome position (GRCh38, 1-based): chr5:172,334,380, C>T on the plus strand (G>A on the coding strand, the complement: SH3PXD2B is on the minus strand). VCF-style: chr5-172334380-C-T. GRCh37 (hg19) VCF-style: chr5-171761384-C-T.
Other names: c.1189-9000G>A (NM_001308175.2).
Identifiers: ClinVar variation 905555 (VCV000905555.4), dbSNP rs114644223, ClinGen allele CA132178956.